The following is an entry in ClinVar:

NM_015378.4(VPS13D):c.10457T>G (p.Leu3486Trp)

Gene: VPS13D (vacuolar protein sorting 13 homolog D; plus strand). Cytogenetic location: 1p36.22.
Variant type: single nucleotide variant.
Coding change: c.10457T>G on transcript NM_015378.4 (MANE Select); coding-DNA position 10457, T replaced by G.
Protein change: p.Leu3486Trp; replaces leucine 3486 with tryptophan.
Molecular consequence: missense variant.
Genome position (GRCh38, 1-based): chr1:12,368,476, T>G. VCF-style: chr1-12368476-T-G. GRCh37 (hg19) VCF-style: chr1-12428531-T-G.
Other names: c.10382T>G, p.Leu3461Trp (NM_018156.4); short protein forms L3486W, L3461W.
Identifiers: ClinVar variation 1994810 (VCV001994810.4), dbSNP rs2524436842, ClinGen allele CA338498086.

ClinVar aggregate classification (germline): Uncertain significance (1 of 4 stars; one submission).

Submission:

Labcorp Genetics (formerly Invitae), Labcorp
Classification: Uncertain significance. Last evaluated: 2022-05-15. Review status: criteria provided, single submitter. Criteria: Invitae Variant Classification Sherloc (09022015). Collection method: clinical testing. Allele origin: germline.
Comment: This sequence change replaces leucine, which is neutral and non-polar, with tryptophan, which is neutral and slightly polar, at codon 3486 of the VPS13D protein (p.Leu3486Trp). This variant is not present in population databases (gnomAD no frequency). This variant has not been reported in the literature in individuals affected with VPS13D-related conditions. Algorithms developed to predict the effect of missense changes on protein structure and function are either unavailable or do not agree on the potential impact of this missense change (SIFT: "Not Available"; PolyPhen-2: "Probably Damaging"; Align-GVGD: "Not Available"). In summary, the available evidence is currently insufficient to determine the role of this variant in disease. Therefore, it has been classified as a Variant of Uncertain Significance.